The following is an entry in ClinVar:

NM_001365480.1(CCDC88A):c.377dup (p.Leu126fs)

Gene: CCDC88A (coiled-coil and HOOK domain protein 88A; minus strand). Cytogenetic location: 2p16.1.
Variant type: Duplication.
Coding change: c.377dup on transcript NM_001365480.1 (MANE Select); coding-DNA position 377, one base duplicated (T; older notation c.377dupT).
Protein change: p.Leu126fs; shifts the reading frame from leucine 126.
Molecular consequence: frameshift variant.
Genome position (GRCh38, 1-based): chr2:55,372,477, A duplicated on the plus strand (T on the coding strand, the reverse complement: CCDC88A is on the minus strand); the first of 4 consecutive A bases (chr2:55,372,477-55,372,480); duplicating any one gives the same sequence. VCF-style (leftmost placement, unchanged base first): chr2-55372476-T-TA. GRCh37 (hg19) VCF-style: chr2-55599612-T-TA.
Other names: c.377dup, p.Leu126fs (NM_001135597.2, NM_001254943.2, NM_018084.5); short protein forms L126fs.
Identifiers: ClinVar variation 1355384 (VCV001355384.6), dbSNP rs2104822324, ClinGen allele CA2573135041.

ClinVar aggregate classification (germline): Pathogenic (1 of 4 stars; one submission).

Submission:

Labcorp Genetics (formerly Invitae), Labcorp
Classification: Pathogenic. Last evaluated: 2021-07-02. Review status: criteria provided, single submitter. Criteria: Invitae Variant Classification Sherloc (09022015). Collection method: clinical testing. Allele origin: germline.
Comment: This sequence change creates a premature translational stop signal (p.Leu126Phefs*18) in the CCDC88A gene. It is expected to result in an absent or disrupted protein product. Loss-of-function variants in CCDC88A are known to be pathogenic (PMID: 26917597, 30392057). This variant is not present in population databases (ExAC no frequency). This variant has not been reported in the literature in individuals affected with CCDC88A-related conditions. For these reasons, this variant has been classified as Pathogenic.

Literature cited by the submitters: PubMed 26917597; PubMed 30392057.